The following is an entry in ClinVar:

NM_003849.4(SUCLG1):c.871G>T (p.Ala291Ser)

Gene: SUCLG1 (succinate-CoA ligase GDP/ADP-forming subunit alpha; minus strand). Cytogenetic location: 2p11.2.
Variant type: single nucleotide variant.
Coding change: c.871G>T on transcript NM_003849.4 (MANE Select); coding-DNA position 871, G replaced by T.
Protein change: p.Ala291Ser; replaces alanine 291 with serine.
Molecular consequence: missense variant.
Genome position (GRCh38, 1-based): chr2:84,425,558, C>A on the plus strand (G>T on the coding strand, the complement: SUCLG1 is on the minus strand). VCF-style: chr2-84425558-C-A. GRCh37 (hg19) VCF-style: chr2-84652682-C-A.
Other names: short protein forms A291S.
Identifiers: ClinVar variation 3008663 (VCV003008663.3), dbSNP rs2468610606, ClinGen allele CA347514771.
Genomic context (GRCh38, chr2:84,425,558, plus strand): 5'-CTCCACCTTTTCCTCCAGCAATAATTGCCCCGGCATGACCCATTCTTCTCCCAGGAGGAG[C>A]AGTTAAACCAGCAATGAAGGACACTACAGGCTTGGAATTTGGACCCTAGAAAGAAAGTAA-3'
Protein context (NP_003840.2, residues 281-301): PVVSFIAGLT[Ala291Ser]PPGRRMGHAG

ClinVar aggregate classification (germline): Uncertain significance (1 of 4 stars; one submission).

Conditions:
Mitochondrial DNA depletion syndrome 9 (MTDPS9). Also called: SUCLG1-Related Mitochondrial DNA Depletion Syndrome, Encephalomyopathic Form with Methylmalonic Aciduria. Identifiers: Orphanet 17, MedGen C3151476, MONDO:0009504, OMIM 245400.

Submission:

Labcorp Genetics (formerly Invitae), Labcorp
Classification: Uncertain significance for Mitochondrial DNA depletion syndrome 9. Last evaluated: 2023-09-05. Review status: criteria provided, single submitter. Criteria: Invitae Variant Classification Sherloc (09022015). Collection method: clinical testing. Allele origin: germline.
Comment: This sequence change replaces alanine, which is neutral and non-polar, with serine, which is neutral and polar, at codon 291 of the SUCLG1 protein (p.Ala291Ser). In summary, the available evidence is currently insufficient to determine the role of this variant in disease. Therefore, it has been classified as a Variant of Uncertain Significance. Advanced modeling of protein sequence and biophysical properties (such as structural, functional, and spatial information, amino acid conservation, physicochemical variation, residue mobility, and thermodynamic stability) has been performed at Invitae for this missense variant, however the output from this modeling did not meet the statistical confidence thresholds required to predict the impact of this variant on SUCLG1 protein function. This variant has not been reported in the literature in individuals affected with SUCLG1-related conditions. This variant is not present in population databases (gnomAD no frequency).